The following is an entry in ClinVar:

ClinVar aggregate classification (germline): Uncertain significance (1 of 4 stars; one submission).

Conditions:
Developmental and epileptic encephalopathy, 23 (DEE23). Also called: Epileptic encephalopathy, early infantile, 23. Identifiers: Orphanet 411986, MedGen C4014492, MONDO:0014371, OMIM 615859.

Submission:

Labcorp Genetics (formerly Invitae), Labcorp
Classification: Uncertain significance for Developmental and epileptic encephalopathy, 23. Last evaluated: 2021-05-06. Review status: criteria provided, single submitter. Criteria: Invitae Variant Classification Sherloc (09022015). Collection method: clinical testing. Allele origin: germline.
Comment: This variant is not present in population databases (ExAC no frequency). This sequence change replaces threonine with lysine at codon 1302 of the DOCK7 protein (p.Thr1302Lys). The threonine residue is moderately conserved and there is a moderate physicochemical difference between threonine and lysine. This variant has not been reported in the literature in individuals with DOCK7-related conditions. In summary, the available evidence is currently insufficient to determine the role of this variant in disease. Therefore, it has been classified as a Variant of Uncertain Significance. Algorithms developed to predict the effect of missense changes on protein structure and function are either unavailable or do not agree on the potential impact of this missense change (SIFT: "Deleterious"; PolyPhen-2: "Benign"; Align-GVGD: "Class C0").

NM_001367561.1(DOCK7):c.3905C>A (p.Thr1302Lys)

Gene: DOCK7 (dedicator of cytokinesis 7; minus strand). Cytogenetic location: 1p31.3.
Variant type: single nucleotide variant.
Coding change: c.3905C>A on transcript NM_001367561.1 (MANE Select); coding-DNA position 3905, C replaced by A.
Protein change: p.Thr1302Lys; replaces threonine 1302 with lysine.
Molecular consequence: missense variant.
Genome position (GRCh38, 1-based): chr1:62,528,182, G>T on the plus strand (C>A on the coding strand, the complement: DOCK7 is on the minus strand). VCF-style: chr1-62528182-G-T. GRCh37 (hg19) VCF-style: chr1-62993853-G-T.
Other names: c.3905C>A, p.Thr1302Lys (NM_001271999.2, NM_001330614.2); c.3812C>A, p.Thr1271Lys (NM_001272000.2, NM_001272001.2, NM_033407.4); short protein forms T1302K, T1271K.
Identifiers: ClinVar variation 1489284 (VCV001489284.8), dbSNP rs2149370338, ClinGen allele CA340599636.